The following is an entry in ClinVar:

NC_000014.8:g.(?_45654410)_(45657100_?)del

Gene: FANCM (FA complementation group M; plus strand). Cytogenetic location: 14q21.2.
Variant type: Deletion.
Identifiers: ClinVar variation 2426632 (VCV002426632.4).

ClinVar aggregate classification (germline): Uncertain significance (1 of 4 stars; one submission).

Conditions:
Fanconi anemia (FA). Also called: Fanconi's anemia. Identifiers: Orphanet 84, MedGen C0015625, MeSH D005199, MONDO:0019391.

Submission:

Labcorp Genetics (formerly Invitae), Labcorp
Classification: Uncertain significance for Fanconi anemia. Last evaluated: 2023-03-24. Review status: criteria provided, single submitter. Criteria: Invitae Variant Classification Sherloc (09022015). Collection method: clinical testing. Allele origin: germline.
Comment: In summary, the available evidence is currently insufficient to determine the role of this variant in disease. Therefore, it has been classified as a Variant of Uncertain Significance. Experimental studies and prediction algorithms are not available or were not evaluated, and the functional significance of this variant is currently unknown. This variant has not been reported in the literature in individuals affected with FANCM-related conditions. This variant is a gross deletion of the genomic region encompassing exon(s) 18-19 of the FANCM gene. This variant would be expected to be in-frame, preserving the integrity of the reading frame.